The following is an entry in ClinVar:

NM_000169.3(GLA):c.973G>C (p.Gly325Arg)

Genes: GLA (galactosidase alpha; minus strand), RPL36A-HNRNPH2 (RPL36A-HNRNPH2 readthrough; plus strand). Cytogenetic location: Xq22.1.
Variant type: single nucleotide variant.
Coding change: c.973G>C on transcript NM_000169.3 (MANE Select); coding-DNA position 973, G replaced by C.
Protein change: p.Gly325Arg; replaces glycine 325 with arginine.
Molecular consequence: missense variant. On other transcripts: non-coding transcript variant (3), intron variant (2).
Genome position (GRCh38, 1-based): chrX:101,398,396, C>G on the plus strand (G>C on the coding strand, the complement: GLA is on the minus strand). VCF-style: chrX-101398396-C-G. GRCh37 (hg19) VCF-style: chrX-100653384-C-G.
Other names: c.1096G>C, p.Gly366Arg (NM_001406747.1); c.973G>C, p.Gly325Arg (NM_001406748.1); c.300+2939C>G (NM_001199973.2); c.177+6574C>G (NM_001199974.2); short protein forms G325R, G366R.
Identifiers: ClinVar variation 4087609 (VCV004087609.2).
Genomic context (GRCh38, chrX:101,398,396, plus strand): 5'-ATAAAGCCATCTTAAAATATATACTCTTATTTACCTGTCTAAGCTGGTACCCTTGCTTGC[C>G]CAAGGGGTCCTGATTGATGGCAATTACGTCCTTATCCTGAAGGAGAGCTTTGGCTTGAGG-3'
Protein context (NP_000160.1, residues 315-335): DVIAINQDPL[Gly325Arg]KQGYQLRQGD

ClinVar aggregate classification (germline): Likely pathogenic (1 of 4 stars; one submission).

Conditions:
Fabry disease. Also called: ALPHA-GALACTOSIDASE A DEFICIENCY; ANDERSON-FABRY DISEASE; CERAMIDE TRIHEXOSIDASE DEFICIENCY; GLA DEFICIENCY; HEREDITARY DYSTOPIC LIPIDOSIS; Angiokeratoma corporis diffusum. Identifiers: Orphanet 324, MedGen C0002986, MONDO:0010526, OMIM 301500, HP:0001071. Disease mechanism: Fabry disease is due to inactivating mutations in the X-linked GLA gene resulting in deficiency of the enzyme Alpha Galactosidase-A., loss of function.

Submission:

Genomenon, Inc
Classification: Likely pathogenic for Fabry disease. Last evaluated: 2026-09-08. Review status: criteria provided, single submitter. Criteria: Genomenon Sequence Variant Interpretation Standards - Updated. Collection method: curation. Allele origin: germline. Affected: yes.
Comment: GLA p.Gly325Arg (c.973G>C) is a missense variant that changes the amino acid at codon 325 from Glycine to Arginine. This variant has been observed in at least one proband with clinical features consistent with Fabry disease (PMID:30723321;27657681). At least one functional study has demonstrated a substantial alteration in protein function relative to the wild-type (PMID:30723321;27657681). It is absent or not present at a significant frequency in gnomAD. In silico models predict that this variant is possibly or probably damaging. In conclusion, we classify GLA p.Gly325Arg (c.973G>C) as a likely pathogenic variant.

Literature cited by the submitters: PubMed 30723321; PubMed 27657681.